The following is an entry in ClinVar:

NM_015557.3(CHD5):c.3592G>T (p.Glu1198Ter)

Gene: CHD5 (chromodomain helicase DNA binding protein 5; minus strand). Cytogenetic location: 1p36.31.
Variant type: single nucleotide variant.
Coding change: c.3592G>T on transcript NM_015557.3 (MANE Select); coding-DNA position 3592, G replaced by T.
Protein change: p.Glu1198Ter; replaces glutamic acid 1198 with a stop codon.
Molecular consequence: nonsense.
Genome position (GRCh38, 1-based): chr1:6,128,865, C>A on the plus strand (G>T on the coding strand, the complement: CHD5 is on the minus strand). VCF-style: chr1-6128865-C-A. GRCh37 (hg19) VCF-style: chr1-6188925-C-A.
Other names: short protein forms E1198*.
Identifiers: ClinVar variation 4982404 (VCV004982404.1).

ClinVar aggregate classification (germline): Uncertain significance (1 of 4 stars; one submission).

Conditions:
CHD5-related disorder. Also called: CHD5-related condition.

Submission:

PreventionGenetics, part of Exact Sciences
Classification: Uncertain significance for CHD5-related condition. Last evaluated: 2026-09-08. Review status: criteria provided, single submitter. Criteria: ACMG Guidelines, 2015. Collection method: clinical testing. Allele origin: germline.
Comment: The CHD5 c.3592G>T variant is predicted to result in premature protein termination (p.Glu1198*). To our knowledge, this variant has not been reported in the literature or in a large population database (gnomAD), indicating this variant is rare. Although we suspect that this variant may be pathogenic, at this time, the clinical significance of this variant is uncertain due to the absence of conclusive functional and genetic evidence.